The following is an entry in ClinVar:

ClinVar aggregate classification (germline): Conflicting classifications of pathogenicity. Review status: criteria provided, conflicting classifications (1 of 4 stars). 2 submissions from 2 submitters: Uncertain significance (1); Likely benign (1). Last evaluated 2024-11-05.

Conditions:
Charcot-Marie-Tooth disease axonal type 2O. Also called: Charcot-Marie-Tooth Neuropathy Type 2O; CHARCOT-MARIE-TOOTH NEUROPATHY, AXONAL, TYPE 2O; CHARCOT-MARIE-TOOTH DISEASE, AXONAL, AUTOSOMAL DOMINANT, TYPE 2O; Charcot-Marie-Tooth disease, axonal, type 20. Identifiers: Orphanet 284232, MedGen C3280220, MONDO:0013644, OMIM 614228.

Allele frequency attached by ClinVar (database versions not stated): ExAC 0.00001.
gnomAD v4.1: 17 of 1,614,074 alleles (0.0011%); highest among the groups gnomAD compares: South Asian, 0.011%; no homozygotes.

Submissions (2):

Labcorp Genetics (formerly Invitae), Labcorp
Classification: Likely benign for Charcot-Marie-Tooth disease axonal type 2O. Last evaluated: 2024-11-05. Review status: criteria provided, single submitter. Criteria: Invitae Variant Classification Sherloc (09022015). Collection method: clinical testing. Allele origin: germline.

GeneDx
Classification: Uncertain significance. Last evaluated: 2023-04-16. Review status: criteria provided, single submitter. Criteria: GeneDx Variant Classification Process June 2021. Collection method: clinical testing. Allele origin: germline. Affected: yes.
Comment: In silico analysis supports that this missense variant has a deleterious effect on protein structure/function; Has not been previously published as pathogenic or benign to our knowledge; This variant is associated with the following publications: (PMID: 26100331, 25609763, 25512093)

NM_001376.5(DYNC1H1):c.11408C>G (p.Pro3803Arg)

Gene: DYNC1H1 (dynein cytoplasmic 1 heavy chain 1; plus strand). Cytogenetic location: 14q32.31.
Variant type: single nucleotide variant.
Coding change: c.11408C>G on transcript NM_001376.5 (MANE Select); coding-DNA position 11408, C replaced by G.
Protein change: p.Pro3803Arg; replaces proline 3803 with arginine.
Molecular consequence: missense variant.
Genome position (GRCh38, 1-based): chr14:102,039,202, C>G. VCF-style: chr14-102039202-C-G. GRCh37 (hg19) VCF-style: chr14-102505539-C-G.
Other names: short protein forms P3803R.
Identifiers: ClinVar variation 838804 (VCV000838804.10), dbSNP rs571126286, ClinGen allele CA7353582.